The following is an entry in ClinVar:

ClinVar aggregate classification (germline): Uncertain significance. Review status: criteria provided, multiple submitters, no conflicts (2 of 4 stars). 2 submissions from 2 submitters: Uncertain significance (2). Last evaluated 2025-12-08.

Conditions:
Inborn genetic diseases. Identifiers: MedGen C0950123, MeSH D030342.

Allele frequency attached by ClinVar (database versions not stated): gnomAD exomes below 0.00001; TOPMed 0.00001.
gnomAD v4.1: 2 of 1,614,084 alleles (0.00012%); highest among the groups gnomAD compares: Admixed American, 0.0033%; no homozygotes.

Submissions (2):

Ambry Genetics
Classification: Uncertain significance for Inborn genetic diseases. Last evaluated: 2025-12-08. Review status: criteria provided, single submitter. Criteria: Ambry Variant Classification Scheme 2023. Collection method: clinical testing. Allele origin: germline.

Labcorp Genetics (formerly Invitae), Labcorp
Classification: Uncertain significance. Last evaluated: 2024-01-16. Review status: criteria provided, single submitter. Criteria: Invitae Variant Classification Sherloc (09022015). Collection method: clinical testing. Allele origin: germline.
Comment: This sequence change replaces serine, which is neutral and polar, with proline, which is neutral and non-polar, at codon 40 of the DSPP protein (p.Ser40Pro). This variant is present in population databases (no rsID available, gnomAD 0.006%). This variant has not been reported in the literature in individuals affected with DSPP-related conditions. Algorithms developed to predict the effect of missense changes on protein structure and function output the following: SIFT: "Not Available"; PolyPhen-2: "Benign"; Align-GVGD: "Not Available". The proline amino acid residue is found in multiple mammalian species, which suggests that this missense change does not adversely affect protein function. In summary, the available evidence is currently insufficient to determine the role of this variant in disease. Therefore, it has been classified as a Variant of Uncertain Significance.

NM_014208.3(DSPP):c.118T>C (p.Ser40Pro)

Genes: DMP1-AS1 (DMP1 and DSPP antisense RNA 1; minus strand), DSPP (dentin sialophosphoprotein; plus strand). Cytogenetic location: 4q22.1.
Variant type: single nucleotide variant.
Coding change: c.118T>C on transcript NM_014208.3 (MANE Select); coding-DNA position 118, T replaced by C.
Protein change: p.Ser40Pro; replaces serine 40 with proline.
Molecular consequence: missense variant.
Genome position (GRCh38, 1-based): chr4:87,612,171, T>C. VCF-style: chr4-87612171-T-C. GRCh37 (hg19) VCF-style: chr4-88533323-T-C.
Other names: short protein forms S40P.
Identifiers: ClinVar variation 2980864 (VCV002980864.4), dbSNP rs1366888240, ClinGen allele CA357602839.